The following is an entry in ClinVar:

ClinVar aggregate classification (germline): Uncertain significance (1 of 4 stars; one submission).

Conditions:
Cardiovascular phenotype. Identifiers: MedGen CN230736.

Allele frequency attached by ClinVar (database versions not stated): gnomAD exomes below 0.00001.
gnomAD v4.1: 4 of 1,612,990 alleles (0.00025%); highest among the groups gnomAD compares: South Asian, 0.0044%; no homozygotes.

Submission:

Ambry Genetics
Classification: Uncertain significance for Cardiovascular phenotype. Last evaluated: 2020-04-13. Review status: criteria provided, single submitter. Criteria: Ambry Variant Classification Scheme 2023. Collection method: clinical testing. Allele origin: germline.
Comment: The p.I5344M variant (also known as c.16032C>G), located in coding exon 62 of the TTN gene, results from a C to G substitution at nucleotide position 16032. The isoleucine at codon 5344 is replaced by methionine, an amino acid with highly similar properties. This amino acid position is not well conserved in available vertebrate species. In addition, this alteration is predicted to be tolerated by in silico analysis. Since supporting evidence is limited at this time, the clinical significance of this alteration remains unclear.

NM_001267550.2(TTN):c.43227C>G (p.Ile14409Met)

Gene: TTN (titin; minus strand). Cytogenetic location: 2q31.2.
Variant type: single nucleotide variant.
Coding change: c.43227C>G on transcript NM_001267550.2 (MANE Select); coding-DNA position 43227, C replaced by G.
Protein change: p.Ile14409Met; replaces isoleucine 14409 with methionine.
Molecular consequence: missense variant.
Genome position (GRCh38, 1-based): chr2:178,632,779, G>C on the plus strand (C>G on the coding strand, the complement: TTN is on the minus strand). VCF-style: chr2-178632779-G-C. GRCh37 (hg19) VCF-style: chr2-179497506-G-C.
Other names: c.38304C>G, p.Ile12768Met (NM_001256850.1); c.16032C>G, p.Ile5344Met (NM_003319.4); c.35523C>G, p.Ile11841Met (NM_133378.4); c.16407C>G, p.Ile5469Met (NM_133432.3); c.16608C>G, p.Ile5536Met (NM_133437.4); short protein forms I11841M, I12768M, I5469M, I5536M, I14409M, I5344M.
Identifiers: ClinVar variation 1776212 (VCV001776212.2), dbSNP rs1427373218, ClinGen allele CA349651719.
Genomic context (GRCh38, chr2:178,632,779, plus strand): 5'-ACACTCAAACTTAGCCTCATCTTTCTCGAAGACTTTAACATCACTGAGAGGTGTGATGAA[G>C]ATAAGAGGCAATTCTGAAAGAAGTGGACAGTGGATGAAGTCAGAATACGTTTCCATTGAT-3'
Protein context (NP_001254479.2, residues 14399-14419): ANLKVKELPL[Ile14409Met]FITPLSDVKV